The following is an entry in ClinVar:

NM_002485.5(NBN):c.431C>T (p.Thr144Ile)

Gene: NBN (nibrin; minus strand). Cytogenetic location: 8q21.3.
Variant type: single nucleotide variant.
Coding change: c.431C>T on transcript NM_002485.5 (MANE Select); coding-DNA position 431, C replaced by T.
Protein change: p.Thr144Ile; replaces threonine 144 with isoleucine.
Molecular consequence: missense variant.
Genome position (GRCh38, 1-based): chr8:89,980,783, G>A on the plus strand (C>T on the coding strand, the complement: NBN is on the minus strand). VCF-style: chr8-89980783-G-A. GRCh37 (hg19) VCF-style: chr8-90993011-G-A.
Other names: c.185C>T, p.Thr62Ile (NM_001024688.3); short protein forms T144I, T62I.
Identifiers: ClinVar variation 485924 (VCV000485924.17), dbSNP rs1554567906, ClinGen allele CA371661706.

ClinVar aggregate classification (germline): Uncertain significance. Review status: criteria provided, multiple submitters, no conflicts (2 of 4 stars). 4 submissions from 4 submitters: Uncertain significance (4). Last evaluated 2021-12-10.

Conditions:
Hereditary cancer-predisposing syndrome. Also called: Tumor predisposition; Neoplastic Syndromes, Hereditary; Hereditary Cancer Syndrome; Hereditary neoplastic syndrome. Identifiers: Orphanet 140162, MedGen C0027672, MeSH D009386, MONDO:0015356.
Microcephaly, normal intelligence and immunodeficiency (NBS). Also called: BERLIN BREAKAGE SYNDROME; Ataxia telangiectasia variant V1; IMMUNODEFICIENCY, MICROCEPHALY, AND CHROMOSOMAL INSTABILITY; SEEMANOVA SYNDROME II; Immunodeficiency, microcephaly with normal intelligence; Nijmegen breakage syndrome. Identifiers: Orphanet 647, MedGen C0398791, MONDO:0009623, OMIM 251260.
Aplastic anemia. Identifiers: Orphanet 182040, Orphanet 88, MedGen C0002874, MONDO:0015909, OMIM 609135, HP:0001915.
Acute lymphoid leukemia (ALL). Also called: Lymphoblastic leukemia; Leukemia, acute lymphoblastic, somatic; Acute lymphoblastic leukemia; Acute lymphocytic leukemia. Identifiers: Orphanet 513, MedGen C0023449, MONDO:0004967, OMIM 613065, HP:0006721.

Submissions (4):

Ambry Genetics
Classification: Uncertain significance for Hereditary cancer-predisposing syndrome. Last evaluated: 2021-12-10. Review status: criteria provided, single submitter. Criteria: Ambry Variant Classification Scheme 2023. Collection method: clinical testing. Allele origin: germline.
Comment: The p.T144I variant (also known as c.431C>T), located in coding exon 4 of the NBN gene, results from a C to T substitution at nucleotide position 431. The threonine at codon 144 is replaced by isoleucine, an amino acid with similar properties. This amino acid position is well conserved in available vertebrate species. In addition, the in silico prediction for this alteration is inconclusive. Since supporting evidence is limited at this time, the clinical significance of this alteration remains unclear.

Genome-Nilou Lab
Classification: Uncertain significance for Microcephaly, normal intelligence and immunodeficiency. Last evaluated: 2021-11-07. Review status: criteria provided, single submitter. Criteria: ACMG Guidelines, 2015. Collection method: clinical testing. Allele origin: germline. Affected: no.

Labcorp Genetics (formerly Invitae), Labcorp
Classification: Uncertain significance for Microcephaly, normal intelligence and immunodeficiency. Last evaluated: 2020-07-20. Review status: criteria provided, single submitter. Criteria: Invitae Variant Classification Sherloc (09022015). Collection method: clinical testing. Allele origin: germline.
Comment: In summary, the available evidence is currently insufficient to determine the role of this variant in disease. Therefore, it has been classified as a Variant of Uncertain Significance. Algorithms developed to predict the effect of missense changes on protein structure and function are either unavailable or do not agree on the potential impact of this missense change (SIFT: "Deleterious"; PolyPhen-2: "Possibly Damaging"; Align-GVGD: "Class C0"). This variant has not been reported in the literature in individuals with NBN-related conditions. ClinVar contains an entry for this variant (Variation ID: 485924). This variant is not present in population databases (ExAC no frequency). This sequence change replaces threonine with isoleucine at codon 144 of the NBN protein (p.Thr144Ile). The threonine residue is highly conserved and there is a moderate physicochemical difference between threonine and isoleucine.

Fulgent Genetics
Classification: Uncertain significance for Microcephaly, normal intelligence and immunodeficiency; Aplastic anemia; Acute lymphoid leukemia. Last evaluated: 2018-10-31. Review status: criteria provided, single submitter. Criteria: ACMG Guidelines, 2015. Collection method: clinical testing. Allele origin: unknown.